The following is an entry in ClinVar:

NM_022168.4(IFIH1):c.1246A>G (p.Ile416Val)

Gene: IFIH1 (interferon induced with helicase C domain 1; minus strand). Cytogenetic location: 2q24.2.
Variant type: single nucleotide variant.
Coding change: c.1246A>G on transcript NM_022168.4 (MANE Select); coding-DNA position 1246, A replaced by G.
Protein change: p.Ile416Val; replaces isoleucine 416 with valine.
Molecular consequence: missense variant.
Genome position (GRCh38, 1-based): chr2:162,282,426, T>C on the plus strand (A>G on the coding strand, the complement: IFIH1 is on the minus strand). VCF-style: chr2-162282426-T-C. GRCh37 (hg19) VCF-style: chr2-163138936-T-C.
Other names: short protein forms I416V.
Identifiers: ClinVar variation 3750599 (VCV003750599.2).
Genomic context (GRCh38, chr2:162,282,426, plus strand): 5'-CTGACAATTGAACACCAGCATCTTCTCCATTTTCCAAGTTTAAGAGGGAGTTTTCAAGGA[T>C]TTGAGCTGTACTGATAATAATATCACAGGACTTGACAACTTCTGGAAATGATATTTTCAG-3'
Protein context (NP_071451.2, residues 406-426): SCDIIISTAQ[Ile416Val]LENSLLNLEN

ClinVar aggregate classification (germline): Uncertain significance (1 of 4 stars; one submission).

Conditions:
Aicardi-Goutieres syndrome 7 (AGS7). Identifiers: Orphanet 51, MedGen C3888244, MONDO:0014367, OMIM 615846.
Singleton-Merten syndrome 1 (SGMRT1). Also called: Widened medullary cavities of bone, aortic calcification, abnormal dentition, and muscular weakness; Syndrome of widened medullary cavities of the metacarpals and phalanges, aortic calcification and abnormal dentition. Identifiers: Orphanet 85191, MedGen C4225427, MONDO:0024535, OMIM 182250.

Submission:

Labcorp Genetics (formerly Invitae), Labcorp
Classification: Uncertain significance for Aicardi-Goutieres syndrome 7; Singleton-Merten syndrome 1. Last evaluated: 2024-09-28. Review status: criteria provided, single submitter. Criteria: Invitae Variant Classification Sherloc (09022015). Collection method: clinical testing. Allele origin: germline.
Comment: This sequence change replaces isoleucine, which is neutral and non-polar, with valine, which is neutral and non-polar, at codon 416 of the IFIH1 protein (p.Ile416Val). This variant is not present in population databases (gnomAD no frequency). This variant has not been reported in the literature in individuals affected with IFIH1-related conditions. Invitae Evidence Modeling of protein sequence and biophysical properties (such as structural, functional, and spatial information, amino acid conservation, physicochemical variation, residue mobility, and thermodynamic stability) has been performed for this missense variant. However, the output from this modeling did not meet the statistical confidence thresholds required to predict the impact of this variant on IFIH1 protein function. In summary, the available evidence is currently insufficient to determine the role of this variant in disease. Therefore, it has been classified as a Variant of Uncertain Significance.